The following is an entry in ClinVar:

ClinVar aggregate classification (germline): Pathogenic (1 of 4 stars; one submission).

Conditions:
Duchenne muscular dystrophy (DMD). Also called: MUSCULAR DYSTROPHY, PSEUDOHYPERTROPHIC PROGRESSIVE, DUCHENNE TYPE; Duchenne Muscular Dystrophy (DMD). Identifiers: Orphanet 98896, MedGen C0013264, MONDO:0010679, OMIM 310200.

Submission:

Labcorp Genetics (formerly Invitae), Labcorp
Classification: Pathogenic for Duchenne muscular dystrophy. Last evaluated: 2023-12-22. Review status: criteria provided, single submitter. Criteria: Invitae Variant Classification Sherloc (09022015). Collection method: clinical testing. Allele origin: germline.
Comment: This sequence change creates a premature translational stop signal (p.Val2014Glyfs*9) in the DMD gene. It is expected to result in an absent or disrupted protein product. Loss-of-function variants in DMD are known to be pathogenic (PMID: 16770791, 25007885). This variant is not present in population databases (gnomAD no frequency). This variant has not been reported in the literature in individuals affected with DMD-related conditions. For these reasons, this variant has been classified as Pathogenic.

Literature cited by the submitters: PubMed 16770791; PubMed 25007885.

NM_004006.3(DMD):c.6040dup (p.Val2014fs)

Gene: DMD (dystrophin; minus strand). Cytogenetic location: Xp21.1.
Variant type: Duplication.
Coding change: c.6040dup on transcript NM_004006.3 (MANE Select); coding-DNA position 6040, one base duplicated (G; older notation c.6040dupG).
Protein change: p.Val2014fs; shifts the reading frame from valine 2014.
Molecular consequence: frameshift variant.
Genome position (GRCh38, 1-based): chrX:32,310,159, C duplicated on the plus strand (G on the coding strand, the reverse complement: DMD is on the minus strand). VCF-style (leftmost placement, unchanged base first): chrX-32310158-A-AC. GRCh37 (hg19) VCF-style: chrX-32328275-A-AC.
Other names: c.6016dup, p.Val2006fs (NM_000109.4); c.6028dup, p.Val2010fs (NM_004009.3); c.5671dup, p.Val1891fs (NM_004010.3); c.2017dup, p.Val673fs (NM_004011.4); c.2008dup, p.Val670fs (NM_004012.4); short protein forms V1891fs, V2010fs, V2014fs, V670fs, V673fs, V2006fs.
Identifiers: ClinVar variation 2705000 (VCV002705000.3), dbSNP rs2520268144, ClinGen allele CA2697552951.
Genomic context (GRCh38, chrX:32,310,158, plus strand): 5'-TGCTTAAAGAGATCTTCAAAGTCCTTAGCACAGAGGTCAGGAGCATTGAGAAGTTGTTCC[A>AC]CTTCTAATAGGGCTTGTGAGACATGAGTGATTTCAGTCAAATAAGTAGAAGGCACATAAG-3'